The following is an entry in ClinVar:

NM_138477.4(CDAN1):c.2992C>T (p.Arg998Ter)

Gene: CDAN1 (codanin 1; minus strand). Cytogenetic location: 15q15.2.
Variant type: single nucleotide variant.
Coding change: c.2992C>T on transcript NM_138477.4 (MANE Select); coding-DNA position 2992, C replaced by T.
Protein change: p.Arg998Ter; replaces arginine 998 with a stop codon.
Molecular consequence: nonsense.
Genome position (GRCh38, 1-based): chr15:42,727,725, G>A on the plus strand (C>T on the coding strand, the complement: CDAN1 is on the minus strand). VCF-style: chr15-42727725-G-A. GRCh37 (hg19) VCF-style: chr15-43019923-G-A.
Other names: short protein forms R998*.
Identifiers: ClinVar variation 2582929 (VCV002582929.25), dbSNP rs762178142, ClinGen allele CA7515346.

ClinVar aggregate classification (germline): Pathogenic (1 of 4 stars; one submission).

Allele frequency attached by ClinVar (database versions not stated): gnomAD 0.00001; TOPMed 0.00001; ExAC 0.00002.

Submission:

CeGaT Center for Human Genetics Tuebingen
Classification: Pathogenic. Last evaluated: 2023-09-01. Review status: criteria provided, single submitter. Criteria: CeGaT Center For Human Genetics Tuebingen Variant Classification Criteria Version 2. Collection method: clinical testing. Allele origin: germline. Affected: yes. Observed: 1 variant allele.
Comment: CDAN1: PVS1, PM2